The following is an entry in ClinVar:

NM_001378454.1(ALMS1):c.8739T>G (p.Tyr2913Ter)

Gene: ALMS1 (ALMS1 centrosome and basal body associated protein; plus strand). Cytogenetic location: 2p13.1.
Variant type: single nucleotide variant.
Coding change: c.8739T>G on transcript NM_001378454.1 (MANE Select); coding-DNA position 8739, T replaced by G.
Protein change: p.Tyr2913Ter; replaces tyrosine 2913 with a stop codon.
Molecular consequence: nonsense.
Genome position (GRCh38, 1-based): chr2:73,490,698, T>G. VCF-style: chr2-73490698-T-G. GRCh37 (hg19) VCF-style: chr2-73717825-T-G.
Other names: c.8742T>G, p.Tyr2914Ter (NM_015120.4); short protein forms Y2914*, Y2913*.
Identifiers: ClinVar variation 2021162 (VCV002021162.4), dbSNP rs1185658160, ClinGen allele CA347270339.

ClinVar aggregate classification (germline): Pathogenic (1 of 4 stars; one submission).

Conditions:
Alstrom syndrome (ALMS). Identifiers: Orphanet 64, MedGen C0268425, MONDO:0008763, OMIM 203800.

Allele frequency attached by ClinVar (database versions not stated): TOPMed below 0.00001.

Submission:

Labcorp Genetics (formerly Invitae), Labcorp
Classification: Pathogenic for Alstrom syndrome. Last evaluated: 2022-09-03. Review status: criteria provided, single submitter. Criteria: Invitae Variant Classification Sherloc (09022015). Collection method: clinical testing. Allele origin: germline.
Comment: For these reasons, this variant has been classified as Pathogenic. This variant has not been reported in the literature in individuals affected with ALMS1-related conditions. This variant is not present in population databases (gnomAD no frequency). This sequence change creates a premature translational stop signal (p.Tyr2914*) in the ALMS1 gene. It is expected to result in an absent or disrupted protein product. Loss-of-function variants in ALMS1 are known to be pathogenic (PMID: 17594715).

Literature cited by the submitters: PubMed 17594715.